The following is an entry in ClinVar:

ClinVar aggregate classification (germline): Conflicting classifications of pathogenicity. Review status: criteria provided, conflicting classifications (1 of 4 stars). 5 submissions from 5 submitters: Uncertain significance (4); Likely benign (1). Last evaluated 2025-09-03.

Conditions:
Mismatch repair cancer syndrome 3. Identifiers: MedGen C5436807, MONDO:0030841, OMIM 619097.
Hereditary nonpolyposis colorectal neoplasms. Identifiers: MedGen C0009405, MeSH D003123.
Hereditary cancer-predisposing syndrome. Also called: Hereditary Cancer Syndrome; Hereditary neoplastic syndrome; Neoplastic Syndromes, Hereditary; Tumor predisposition. Identifiers: Orphanet 140162, MedGen C0027672, MeSH D009386, MONDO:0015356.
Lynch syndrome. Identifiers: Orphanet 144, MedGen C4552100, MONDO:0005835. Disease mechanism: loss of function.

Allele frequency attached by ClinVar (database versions not stated): gnomAD exomes below 0.00001; TOPMed below 0.00001.
gnomAD v4.1: 1 of 1,614,152 alleles (0.000062%); highest among the groups gnomAD compares: East Asian, 0.0022%; no homozygotes.

Submissions (5):

Ambry Genetics
Classification: Uncertain significance for Hereditary cancer-predisposing syndrome. Last evaluated: 2025-09-03. Review status: criteria provided, single submitter. Criteria: Ambry Variant Classification Scheme 2023. Collection method: clinical testing. Allele origin: germline.
Comment: The p.T914I variant (also known as c.2741C>T), located in coding exon 4 of the MSH6 gene, results from a C to T substitution at nucleotide position 2741. The threonine at codon 914 is replaced by isoleucine, an amino acid with similar properties. This amino acid position is well conserved in available vertebrate species. In addition, this alteration is predicted to be deleterious by in silico analysis. Based on the available evidence, the clinical significance of this variant remains unclear.

Labcorp Genetics (formerly Invitae), Labcorp
Classification: Likely benign for Hereditary nonpolyposis colorectal neoplasms. Last evaluated: 2025-07-21. Review status: criteria provided, single submitter. Criteria: Invitae Variant Classification Sherloc (09022015). Collection method: clinical testing. Allele origin: germline.

All of Us Research Program, National Institutes of Health
Classification: Uncertain significance for Lynch syndrome. Last evaluated: 2023-11-30. Review status: criteria provided, single submitter. Criteria: ACMG Guidelines, 2015. Collection method: clinical testing. Allele origin: germline. Inheritance: Autosomal dominant inheritance. Observed: 1 variant allele, 1 heterozygote.
Comment: This study involves interpretation of variants in research participants for the purpose of population health screening. Participant phenotype was not available at the time of variant classification. Additional details can be found in publication PMID: 35346344, PMCID: PMC8962531

Quest Diagnostics Nichols Institute San Juan Capistrano
Classification: Uncertain significance. Last evaluated: 2023-07-07. Review status: criteria provided, single submitter. Criteria: Quest Diagnostics criteria. Collection method: clinical testing. Allele origin: unknown.
Comment: In a large-scale breast cancer association study, this variant was observed in an individual with breast cancer (see LOVD and PMID: 33471991 (2021)). The frequency of this variant in the general population, 0.000004 (1/250928 chromosomes (Genome Aggregation Database)), is uninformative in the assessment of its pathogenicity. Analysis of this variant using bioinformatics tools for the prediction of the effect of amino acid changes on protein structure and function yielded conflicting predictions that this variant is benign or damaging. Based on the available information, we are unable to determine the clinical significance of this variant.

MGZ Medical Genetics Center
Classification: Uncertain significance for Mismatch repair cancer syndrome 3. Last evaluated: 2022-05-03. Review status: criteria provided, single submitter. Criteria: ACMG Guidelines, 2015. Collection method: clinical testing. Allele origin: germline. Affected: yes. Observed: 1 variant allele.
Comment: ACMG criteria applied: PM2_SUP, PP3

Literature cited by the submitters: PubMed 33471991 (cited by Quest Diagnostics Nichols Institute San Juan Capistrano).

NM_000179.3(MSH6):c.2741C>T (p.Thr914Ile)

Gene: MSH6 (mutS homolog 6; plus strand). Cytogenetic location: 2p16.3.
Variant type: single nucleotide variant.
Coding change: c.2741C>T on transcript NM_000179.3 (MANE Select); coding-DNA position 2741, C replaced by T.
Protein change: p.Thr914Ile; replaces threonine 914 with isoleucine.
Molecular consequence: missense variant.
Genome position (GRCh38, 1-based): chr2:47,800,724, C>T. VCF-style: chr2-47800724-C-T. GRCh37 (hg19) VCF-style: chr2-48027863-C-T.
Other names: c.2351C>T, p.Thr784Ile (NM_001281492.2); c.1835C>T, p.Thr612Ile (NM_001281493.2, NM_001281494.2); short protein forms T914I, T612I, T784I.
Identifiers: ClinVar variation 455217 (VCV000455217.14), dbSNP rs1553414094, ClinGen allele CA346755398.